The following is an entry in ClinVar:

ClinVar aggregate classification (germline): Pathogenic/Likely pathogenic. Review status: criteria provided, multiple submitters, no conflicts (2 of 4 stars). 2 submissions from 2 submitters: Pathogenic (1); Likely pathogenic (1). Last evaluated 2023-02-20.

Conditions:
Breast-ovarian cancer, familial, susceptibility to, 1 (BROVCA1). Also called: BRCA1 Hereditary Breast and Ovarian Cancer; OVARIAN CANCER, SUSCEPTIBILITY TO. Identifiers: Orphanet 145, MedGen C2676676, MONDO:0011450, OMIM 604370. Disease mechanism: loss of function.
Hereditary cancer-predisposing syndrome. Also called: Neoplastic Syndromes, Hereditary; Tumor predisposition; Hereditary Cancer Syndrome; Hereditary neoplastic syndrome. Identifiers: Orphanet 140162, MedGen C0027672, MeSH D009386, MONDO:0015356.

Submissions (2):

Baylor Genetics
Classification: Likely pathogenic for Breast-ovarian cancer, familial, susceptibility to, 1. Last evaluated: 2023-02-20. Review status: criteria provided, single submitter. Criteria: ACMG Guidelines, 2015. Collection method: clinical testing. Allele origin: unknown.

Ambry Genetics
Classification: Pathogenic for Hereditary cancer-predisposing syndrome. Last evaluated: 2023-01-26. Review status: criteria provided, single submitter. Criteria: Ambry Variant Classification Scheme 2023. Collection method: clinical testing. Allele origin: germline.
Comment: The c.2405dupT pathogenic mutation, located in coding exon 9 of the BRCA1 gene, results from a duplication of T at nucleotide position 2405, causing a translational frameshift with a predicted alternate stop codon (p.S803Efs*7). This variant is considered to be rare based on population cohorts in the Genome Aggregation Database (gnomAD). This alteration is expected to result in loss of function by premature protein truncation or nonsense-mediated mRNA decay. As such, this alteration is interpreted as a disease-causing mutation.

NM_007294.4(BRCA1):c.2405dup (p.Ser803fs)

Gene: BRCA1 (BRCA1 DNA repair associated; minus strand). Cytogenetic location: 17q21.31.
Variant type: Duplication.
Coding change: c.2405dup on transcript NM_007294.4 (MANE Select); coding-DNA position 2405, one base duplicated (T; older notation c.2405dupT).
Protein change: p.Ser803fs; shifts the reading frame from serine 803.
Molecular consequence: frameshift variant. On other transcripts: intron variant (137).
Genome position (GRCh38, 1-based): chr17:43,093,126, A duplicated on the plus strand (T on the coding strand, the reverse complement: BRCA1 is on the minus strand). VCF-style (leftmost placement, unchanged base first): chr17-43093125-C-CA. GRCh37 (hg19) VCF-style: chr17-41245142-C-CA.
Other names: c.2192dup, p.Ser732fs (NM_001407571.1, NM_001407853.1, NM_001407894.1 and 9 more transcripts); c.2405dup, p.Ser803fs (NM_001407581.1, NM_001407582.1, NM_001407583.1 and 30 more transcripts); c.2402dup, p.Ser802fs (NM_001407587.1, NM_001407590.1, NM_001407591.1 and 22 more transcripts); c.2396dup, p.Ser800fs (NM_001407646.1, NM_001407647.1); c.2282dup, p.Ser762fs (NM_001407648.1, NM_001407664.1, NM_001407665.1 and 19 more transcripts); c.2279dup, p.Ser761fs (NM_001407649.1, NM_001407670.1, NM_001407671.1 and 11 more transcripts); c.2327dup, p.Ser777fs (NM_001407653.1, NM_001407654.1, NM_001407655.1 and 4 more transcripts); c.2324dup, p.Ser776fs (NM_001407659.1, NM_001407660.1, NM_001407661.1 and 1 more transcripts); and 42 more; short protein forms S676fs, S691fs, S733fs, S755fs, S756fs, S762fs, S803fs, S635fs.
Identifiers: ClinVar variation 2450681 (VCV002450681.3), dbSNP rs2552189026, ClinGen allele CA2580094044.